The following is an entry in ClinVar:

NM_017946.4(FKBP14):c.156T>A (p.Tyr52Ter)

Genes: FKBP14 (FKBP prolyl isomerase 14; minus strand), FKBP14-AS1 (FKBP14 antisense RNA 1; plus strand). Cytogenetic location: 7p14.3.
Variant type: single nucleotide variant.
Coding change: c.156T>A on transcript NM_017946.4 (MANE Select); coding-DNA position 156, T replaced by A.
Protein change: p.Tyr52Ter; replaces tyrosine 52 with a stop codon.
Molecular consequence: nonsense. On other transcripts: non-coding transcript variant (2).
Genome position (GRCh38, 1-based): chr7:30,026,353, A>T on the plus strand (T>A on the coding strand, the complement: FKBP14 is on the minus strand). VCF-style: chr7-30026353-A-T. GRCh37 (hg19) VCF-style: chr7-30065969-A-T.
Other names: short protein forms Y52*.
Identifiers: ClinVar variation 567476 (VCV000567476.7), dbSNP rs1562840744, ClinGen allele CA367117781.

ClinVar aggregate classification (germline): Pathogenic (1 of 4 stars; one submission).

Conditions:
Ehlers-Danlos syndrome, kyphoscoliotic type, 2. Also called: Ehlers-Danlos syndrome with progressive kyphoscoliosis, myopathy, and hearing loss; Ehlers-Danlos syndrome, kyphoscoliotic and deafness type; FKBP14-Kyphoscoliotic Ehlers-Danlos Syndrome. Identifiers: Orphanet 300179, MedGen C3281160, MONDO:0013800, OMIM 614557.

Allele frequency attached by ClinVar (database versions not stated): gnomAD exomes 0.00001.
gnomAD v4.1: 3 of 1,614,016 alleles (0.00019%); highest among the groups gnomAD compares: East Asian, 0.0022%; no homozygotes.

Submission:

Labcorp Genetics (formerly Invitae), Labcorp
Classification: Pathogenic for Ehlers-Danlos syndrome, kyphoscoliotic type, 2. Last evaluated: 2018-06-21. Review status: criteria provided, single submitter. Criteria: Invitae Variant Classification Sherloc (09022015). Collection method: clinical testing. Allele origin: germline.
Comment: This variant has not been reported in the literature in individuals with FKBP14-related disease. For these reasons, this variant has been classified as Pathogenic. Loss-of-function variants in FKBP14 are known to be pathogenic (PMID: 22265013). This variant is not present in population databases (ExAC no frequency). This sequence change creates a premature translational stop signal (p.Tyr52*) in the FKBP14 gene. It is expected to result in an absent or disrupted protein product.

Literature cited by the submitters: PubMed 22265013.